The following is an entry in ClinVar:

ClinVar aggregate classification (germline): Pathogenic (1 of 4 stars; one submission).

Conditions:
Biotinidase deficiency. Also called: BTD deficiency; Late-onset biotin-responsive multiple carboxylase deficiency; Biotin deficiency. Identifiers: Orphanet 79241, MedGen C0220754, MONDO:0009665, OMIM 253260.

Submission:

Myriad Genetics, Inc.
Classification: Pathogenic for Biotinidase deficiency. Last evaluated: 2025-09-02. Review status: criteria provided, single submitter. Criteria: Myriad Autosomal Dominant, Autosomal Recessive and X-Linked Classification Criteria (2023). Collection method: clinical testing. Allele origin: unknown.
Comment: NM_000060.2(BTD):c.677_678delAA(K226Sfs*7) is a frameshift variant classified as pathogenic in the context of biotinidase deficiency. K226Sfs*7 has not been observed in cases with relevant disease. Relevant functional assessments of this variant are not available in the literature. K226Sfs*7 has not been observed in referenced population frequency databases. In summary, NM_000060.2(BTD):c.677_678delAA(K226Sfs*7) is a frameshift variant in a gene where loss of function is a known mechanism of disease and is predicted to disrupt protein function. Please note: this variant was assessed in the context of healthy population screening.

NM_001370658.1(BTD):c.617_618del (p.Lys206fs)

Gene: BTD (biotinidase; plus strand). Cytogenetic location: 3p25.1.
Variant type: Deletion.
Coding change: c.617_618del on transcript NM_001370658.1 (MANE Select); coding-DNA positions 617 to 618, 2 bases deleted (AA; older notation c.617_618delAA).
Protein change: p.Lys206fs; shifts the reading frame from lysine 206.
Molecular consequence: frameshift variant. On other transcripts: intron variant (6).
Genome position (GRCh38, 1-based): chr3:15,644,533-15,644,534, AA deleted; deleting any 2 consecutive bases within chr3:15,644,532-15,644,534 gives the same sequence; the c. name uses the placement nearest the transcript's 3' end. VCF-style (leftmost placement, unchanged base first): chr3-15644531-TAA-T. GRCh37 (hg19) VCF-style: chr3-15686038-TAA-T.
Other names: c.617_618del, p.Lys206fs (NM_001281723.4, NM_001281724.3, NM_001281725.3 and 18 more transcripts); c.399+2476_399+2477del (NM_001370753.1, NM_001407400.1, NM_001407401.1 and 3 more transcripts); short protein forms K206fs.
Identifiers: ClinVar variation 5003318 (VCV005003318.1).